The following is an entry in ClinVar:

ClinVar aggregate classification (germline): Benign/Likely benign. Review status: criteria provided, multiple submitters, no conflicts (2 of 4 stars). 3 submissions from 3 submitters: Benign (1); Likely benign (1). 1 of the submissions does not count toward it. Last evaluated 2025-03-04.

Conditions:
TAF15-related disorder. Also called: TAF15-related condition.

Submissions (3):

Mayo Clinic Laboratories, Mayo Clinic
Classification: Likely benign. Last evaluated: 2025-03-04. Review status: criteria provided, single submitter. Criteria: ACMG Guidelines, 2015. Collection method: clinical testing. Allele origin: germline. Observed: 1 variant allele.
Comment: BS2, BP3

GeneDx
Classification: Benign. Last evaluated: 2021-10-07. Review status: criteria provided, single submitter. Criteria: GeneDx Variant Classification Process June 2021. Collection method: clinical testing. Allele origin: germline. Affected: yes.

PreventionGenetics, part of Exact Sciences
Classification: Likely benign for TAF15-related condition. Last evaluated: 2023-03-17. Review status: no assertion criteria provided. Collection method: clinical testing. Allele origin: germline. Not counted in ClinVar's aggregate classification.
Comment: This variant is classified as likely benign based on ACMG/AMP sequence variant interpretation guidelines (Richards et al. 2015 PMID: 25741868, with internal and published modifications).

NM_139215.3(TAF15):c.1380_1403del (p.454GYGGDRGG[3])

Gene: TAF15 (TATA-box binding protein associated factor 15; plus strand). Cytogenetic location: 17q12.
Variant type: Deletion.
Coding change: c.1380_1403del on transcript NM_139215.3 (MANE Select); coding-DNA positions 1380 to 1403, 24 bases deleted (CGGCGGCTATGGTGGGGACAGAGG).
Protein change: p.454GYGGDRGG[3].
Molecular consequence: inframe deletion.
Genome position (GRCh38, 1-based): chr17:35,844,679-35,844,702, CGGCGGCTATGGTGGGGACAGAGG deleted; deleting any 24 consecutive bases within chr17:35,844,659-35,844,702 gives the same sequence; the c. name uses the placement nearest the transcript's 3' end. VCF-style (leftmost placement, unchanged base first): chr17-35844658-TGGCTATGGTGGGGACAGAGGCGGC-T. GRCh37 (hg19) VCF-style: chr17-34171662-TGGCTATGGTGGGGACAGAGGCGGC-T.
Other names: p.Gly478_Gly485del; c.1380_1403del24 (NM_139215.2); c.1371_1394del, p.451GYGGDRGG[3] (NM_003487.4).
Identifiers: ClinVar variation 1302887 (VCV001302887.5), dbSNP rs768749438, ClinGen allele CA290041342.
Genomic context (GRCh38, chr17:35,844,658, plus strand): 5'-CGGTGGTGGCTACAGCGGAGATAGAAGTGGGGGCGGCTATGGTGGAGACAGAAGTGGGGG[TGGCTATGGTGGGGACAGAGGCGGC>T]GGCTATGGTGGGGACAGAGGAGGCGGCTATGGAGGAGACCGAGGAGGTGGCTATGGAGGA-3'